The following is an entry in ClinVar:

NM_012431.3(SEMA3E):c.649G>A (p.Asp217Asn)

Gene: SEMA3E (semaphorin 3E; minus strand). Cytogenetic location: 7q21.11.
Variant type: single nucleotide variant.
Coding change: c.649G>A on transcript NM_012431.3 (MANE Select); coding-DNA position 649, G replaced by A.
Protein change: p.Asp217Asn; replaces aspartic acid 217 with asparagine.
Molecular consequence: missense variant.
Genome position (GRCh38, 1-based): chr7:83,408,389, C>T on the plus strand (G>A on the coding strand, the complement: SEMA3E is on the minus strand). VCF-style: chr7-83408389-C-T. GRCh37 (hg19) VCF-style: chr7-83037705-C-T.
Other names: c.469G>A, p.Asp157Asn (NM_001178129.2); c.649G>A (NM_012431.2); short protein forms D217N, D157N.
Identifiers: ClinVar variation 2963968 (VCV002963968.4), dbSNP rs1398802832, ClinGen allele CA367931326.

ClinVar aggregate classification (germline): Uncertain significance. Review status: criteria provided, multiple submitters, no conflicts (2 of 4 stars). 2 submissions from 2 submitters: Uncertain significance (2). Last evaluated 2024-07-27.

Conditions:
CHARGE syndrome (CHARGE). Also called: Hittner Hirsch Kreh syndrome; CHARGE ASSOCIATION--COLOBOMA, HEART ANOMALY, CHOANAL ATRESIA, RETARDATION, GENITAL AND EAR ANOMALIES; Coloboma, heart anomaly, choanal atresia, retardation, genital and ear anomalies; CHARGE association; Hall-Hittner syndrome. Identifiers: Orphanet 138, MedGen C0265354, MONDO:0008965.

Allele frequency attached by ClinVar (database versions not stated): TOPMed 0.00001.

Submissions (2):

Ambry Genetics
Classification: Uncertain significance. Last evaluated: 2024-07-27. Review status: criteria provided, single submitter. Criteria: Ambry Variant Classification Scheme 2023. Collection method: clinical testing. Allele origin: germline.

Labcorp Genetics (formerly Invitae), Labcorp
Classification: Uncertain significance for CHARGE syndrome. Last evaluated: 2023-06-28. Review status: criteria provided, single submitter. Criteria: Invitae Variant Classification Sherloc (09022015). Collection method: clinical testing. Allele origin: germline.
Comment: In summary, the available evidence is currently insufficient to determine the role of this variant in disease. Therefore, it has been classified as a Variant of Uncertain Significance. Advanced modeling of protein sequence and biophysical properties (such as structural, functional, and spatial information, amino acid conservation, physicochemical variation, residue mobility, and thermodynamic stability) performed at Invitae indicates that this missense variant is not expected to disrupt SEMA3E protein function. This variant has not been reported in the literature in individuals affected with SEMA3E-related conditions. This variant is not present in population databases (gnomAD no frequency). This sequence change replaces aspartic acid, which is acidic and polar, with asparagine, which is neutral and polar, at codon 217 of the SEMA3E protein (p.Asp217Asn).